The following is an entry in ClinVar:

ClinVar aggregate classification (germline): Likely benign. Review status: criteria provided, multiple submitters, no conflicts (2 of 4 stars). 2 submissions from 2 submitters: Likely benign (2). Last evaluated 2025-12-27.

Allele frequency attached by ClinVar (database versions not stated): ExAC 0.00001; gnomAD exomes 0.00001; ESP Exome Variant Server 0.00009.
gnomAD v4.1: 17 of 1,198,030 alleles (0.0014%); highest among the groups gnomAD compares: Non-Finnish European, 0.0011%; no homozygotes.

Submissions (2):

Labcorp Genetics (formerly Invitae), Labcorp
Classification: Likely benign. Last evaluated: 2025-12-27. Review status: criteria provided, single submitter. Criteria: Invitae Variant Classification Sherloc (09022015). Collection method: clinical testing. Allele origin: germline.

CeGaT Center for Human Genetics Tuebingen
Classification: Likely benign. Last evaluated: 2023-08-01. Review status: criteria provided, single submitter. Criteria: CeGaT Center For Human Genetics Tuebingen Variant Classification Criteria Version 2. Collection method: clinical testing. Allele origin: germline. Affected: yes. Observed: 1 variant allele.
Comment: POLA1: BP4, BP7, BS2

NM_001330360.2(POLA1):c.2289T>C (p.Cys763=)

Gene: POLA1 (DNA polymerase alpha 1, catalytic subunit; plus strand). Cytogenetic location: Xp22.11.
Variant type: single nucleotide variant.
Coding change: c.2289T>C on transcript NM_001330360.2 (MANE Select); coding-DNA position 2289, T replaced by C.
Protein change: p.Cys763=; no amino-acid change (cysteine 763 retained).
Molecular consequence: synonymous variant. On other transcripts: non-coding transcript variant (2).
Genome position (GRCh38, 1-based): chrX:24,741,447, T>C. VCF-style: chrX-24741447-T-C. GRCh37 (hg19) VCF-style: chrX-24759564-T-C.
Other names: c.2214T>C, p.Cys738= (NM_001378303.1); c.2271T>C, p.Cys757= (NM_016937.4).
Identifiers: ClinVar variation 2660197 (VCV002660197.26), dbSNP rs144074224, ClinGen allele CA10373140.